The following is an entry in ClinVar:

ClinVar aggregate classification (germline): Benign (1 of 4 stars; one submission).

Conditions:
CFH-Related Dense Deposit Disease / Membranoproliferative Glomerulonephritis Type II. Identifiers: MedGen CN071292.

Allele frequency attached by ClinVar (database versions not stated): gnomAD 0.00418 and 0.00457; 1000 Genomes Project 0.00419; 1000 Genomes Project 30x 0.00422; TOPMed 0.00504.

Submission:

Illumina Laboratory Services, Illumina
Classification: Benign for Membranoproliferative glomerulonephritis with complement factor h deficiency. Last evaluated: 2018-01-12. Review status: criteria provided, single submitter. Criteria: ICSL Variant Classification Criteria 13 December 2019. Collection method: clinical testing. Allele origin: germline.
Comment: This variant was observed in the ICSL laboratory as part of a predisposition screen in an ostensibly healthy population. It had not been previously curated by ICSL or reported in the Human Gene Mutation Database (HGMD: prior to June 1st, 2018), and was therefore a candidate for classification through an automated scoring system. Utilizing variant allele frequency, disease prevalence and penetrance estimates, and inheritance mode, an automated score was calculated to assess if this variant is too frequent to cause the disease. Based on the score and internal cut-off values, a variant classified as benign is not then subjected to further curation. The score for this variant resulted in a classification of benign for this disease.

NM_030787.4(CFHR5):c.*969T>A

Gene: CFHR5 (complement factor H related 5; plus strand). Cytogenetic location: 1q31.3.
Variant type: single nucleotide variant.
Coding change: c.*969T>A on transcript NM_030787.4 (MANE Select); 969 bases downstream of the stop codon, T replaced by A.
Molecular consequence: 3 prime UTR variant.
Genome position (GRCh38, 1-based): chr1:197,009,652, T>A. VCF-style: chr1-197009652-T-A. GRCh37 (hg19) VCF-style: chr1-196978782-T-A.
Identifiers: ClinVar variation 874670 (VCV000874670.4), dbSNP rs115075908, ClinGen allele CA35852027.